The following is an entry in ClinVar:

NM_006269.2(RP1):c.5002A>G (p.Arg1668Gly)

Genes: RP1 (RP1 axonemal microtubule associated; plus strand), LOC126860392 (CDK7 strongly-dependent group 2 enhancer GRCh37_chr8:55541319-55542518; plus strand). Cytogenetic location: 8q12.1.
Variant type: single nucleotide variant.
Coding change: c.5002A>G on transcript NM_006269.2 (MANE Select); coding-DNA position 5002, A replaced by G.
Protein change: p.Arg1668Gly; replaces arginine 1668 with glycine.
Molecular consequence: missense variant. On other transcripts: intron variant (1).
Genome position (GRCh38, 1-based): chr8:54,628,884, A>G. VCF-style: chr8-54628884-A-G. GRCh37 (hg19) VCF-style: chr8-55541444-A-G.
Other names: c.787+6596A>G (NM_001375654.1); short protein forms R1668G.
Identifiers: ClinVar variation 1444098 (VCV001444098.10), dbSNP rs375004458, ClinGen allele CA4751986.

ClinVar aggregate classification (germline): Conflicting classifications of pathogenicity. Review status: criteria provided, conflicting classifications (1 of 4 stars). 3 submissions from 3 submitters: Uncertain significance (2); Likely benign (1). Last evaluated 2024-07-06.

Conditions:
Retinitis pigmentosa 1 (RP1). Identifiers: Orphanet 791, MedGen C0220701, MONDO:0008377, OMIM 180100.

Allele frequency attached by ClinVar (database versions not stated): ExAC 0.00002; gnomAD 0.00003; TOPMed 0.00007; ESP Exome Variant Server 0.00008.
gnomAD v4.1: 59 of 1,613,994 alleles (0.0037%); highest among the groups gnomAD compares: Non-Finnish European, 0.0043%; no homozygotes.

Submissions (3):

Labcorp Genetics (formerly Invitae), Labcorp
Classification: Uncertain significance. Last evaluated: 2024-07-06. Review status: criteria provided, single submitter. Criteria: Invitae Variant Classification Sherloc (09022015). Collection method: clinical testing. Allele origin: germline.
Comment: This sequence change replaces arginine, which is basic and polar, with glycine, which is neutral and non-polar, at codon 1668 of the RP1 protein (p.Arg1668Gly). This variant is present in population databases (rs375004458, gnomAD 0.007%). This variant has not been reported in the literature in individuals affected with RP1-related conditions. ClinVar contains an entry for this variant (Variation ID: 1444098). Algorithms developed to predict the effect of missense changes on protein structure and function output the following: SIFT: "Not Available"; PolyPhen-2: "Benign"; Align-GVGD: "Not Available". The glycine amino acid residue is found in multiple mammalian species, which suggests that this missense change does not adversely affect protein function. In summary, the available evidence is currently insufficient to determine the role of this variant in disease. Therefore, it has been classified as a Variant of Uncertain Significance.

Fulgent Genetics
Classification: Uncertain significance for Retinitis pigmentosa 1. Last evaluated: 2021-12-09. Review status: criteria provided, single submitter. Criteria: ACMG Guidelines, 2015. Collection method: clinical testing. Allele origin: unknown.

Blueprint Genetics
Classification: Likely benign. Last evaluated: 2020-06-08. Review status: criteria provided, single submitter. Criteria: ACMG Guidelines, 2015. Collection method: clinical testing. Allele origin: germline.